The following is an entry in ClinVar:

NM_000051.4(ATM):c.2135C>T (p.Ser712Leu)

Gene: ATM (ATM serine/threonine kinase; plus strand). Cytogenetic location: 11q22.3.
Variant type: single nucleotide variant.
Coding change: c.2135C>T on transcript NM_000051.4 (MANE Select); coding-DNA position 2135, C replaced by T.
Protein change: p.Ser712Leu; replaces serine 712 with leucine.
Molecular consequence: missense variant.
Genome position (GRCh38, 1-based): chr11:108,256,225, C>T. VCF-style: chr11-108256225-C-T. GRCh37 (hg19) VCF-style: chr11-108126952-C-T.
Other names: c.2135C>T, p.Ser712Leu (NM_001351834.2); short protein forms S712L.
Identifiers: ClinVar variation 848601 (VCV000848601.11), dbSNP rs1057516620, ClinGen allele CA382538677.

ClinVar aggregate classification (germline): Uncertain significance (1 of 4 stars; one submission).

Conditions:
Ataxia-telangiectasia syndrome (AT). Also called: Ataxia-telangiectasia, complementation group E; Cerebello-oculocutaneous telangiectasia; Immunodeficiency with ataxia telangiectasia; Ataxia-telangiectasia, complementation group D; AT, COMPLEMENTATION GROUP C; Ataxia-telangiectasia. Identifiers: Orphanet 100, MedGen C0004135, MONDO:0008840, OMIM 208900.

Submission:

Labcorp Genetics (formerly Invitae), Labcorp
Classification: Uncertain significance for Ataxia-telangiectasia syndrome. Last evaluated: 2025-05-19. Review status: criteria provided, single submitter. Criteria: Invitae Variant Classification Sherloc (09022015). Collection method: clinical testing. Allele origin: germline.
Comment: This sequence change replaces serine, which is neutral and polar, with leucine, which is neutral and non-polar, at codon 712 of the ATM protein (p.Ser712Leu). This variant is not present in population databases (gnomAD no frequency). This variant has not been reported in the literature in individuals affected with ATM-related conditions. ClinVar contains an entry for this variant (Variation ID: 848601). Invitae Evidence Modeling of protein sequence and biophysical properties (such as structural, functional, and spatial information, amino acid conservation, physicochemical variation, residue mobility, and thermodynamic stability) indicates that this missense variant is not expected to disrupt ATM protein function with a negative predictive value of 95%. In summary, the available evidence is currently insufficient to determine the role of this variant in disease. Therefore, it has been classified as a Variant of Uncertain Significance.